The following is an entry in ClinVar:

ClinVar aggregate classification (germline): Uncertain significance (1 of 4 stars; one submission).

Conditions:
Cardiomyopathy (CMYO). Also called: Cardiomyopathies. Identifiers: Orphanet 167848, MedGen C0878544, MONDO:0004994, HP:0001638. Inheritance: Various modes of inheritance.

Submission:

All of Us Research Program, National Institutes of Health
Classification: Uncertain significance for Cardiomyopathy. Last evaluated: 2024-04-16. Review status: criteria provided, single submitter. Criteria: ACMG Guidelines, 2015. Collection method: clinical testing. Allele origin: germline. Inheritance: Autosomal dominant inheritance. Observed: 1 variant allele, 1 heterozygote.
Comment: This missense variant replaces methionine with threonine at codon 776 of the MYH7 protein. Computational prediction tools indicate that this variant has a deleterious impact on protein structure and function. This variant is found within a highly conserved region of the myosin head domain. Missense variants in this region have been shown to be significantly overrepresented in individuals with affected with hypertrophic cardiomyopathy (PMID: 27532257). To our knowledge, functional studies have not been reported for this variant. This variant has not been reported in individuals affected with MYH7-related disorders in the literature. This variant has not been identified in the general population by the Genome Aggregation Database (gnomAD). The available evidence is insufficient to determine the role of this variant in disease conclusively. Therefore, this variant is classified as a Variant of Uncertain Significance.

This study involves interpretation of variants in research participants for the purpose of population health screening. Participant phenotype was not available at the time of variant classification. Additional details can be found in publication PMID: 35346344, PMCID: PMC8962531

Literature cited by the submitters: PubMed 27532257.

NM_000257.4(MYH7):c.2327T>C (p.Met776Thr)

Genes: MYH7 (myosin heavy chain 7; minus strand), LOC126861898 (BRD4-independent group 4 enhancer GRCh37_chr14:23893609-23894808; plus strand). Cytogenetic location: 14q11.2.
Variant type: single nucleotide variant.
Coding change: c.2327T>C on transcript NM_000257.4 (MANE Select); coding-DNA position 2327, T replaced by C.
Protein change: p.Met776Thr; replaces methionine 776 with threonine.
Molecular consequence: missense variant.
Genome position (GRCh38, 1-based): chr14:23,425,378, A>G on the plus strand (T>C on the coding strand, the complement: MYH7 is on the minus strand). VCF-style: chr14-23425378-A-G. GRCh37 (hg19) VCF-style: chr14-23894587-A-G.
Other names: c.2327T>C, p.Met776Thr (NM_001407004.1); short protein forms M776T.
Identifiers: ClinVar variation 3387337 (VCV003387337.1).
Genomic context (GRCh38, chr14:23,425,378, plus strand): 5'-AGCACACCTCGGGACTGGGCCTGGATACGCGTGATGATGCGGCTCAGCCTCTCGTCCCTC[A>G]TTTCCTCCAGCAGCCCCAGCAGCCCGGCCTTGAAGAACACCTGCAGGCAAGGTGTGTGTT-3'
Protein context (NP_000248.2, residues 766-786): KAGLLGLLEE[Met776Thr]RDERLSRIIT